The following is an entry in ClinVar:

ClinVar aggregate classification (germline): Conflicting classifications of pathogenicity. Review status: criteria provided, conflicting classifications (1 of 4 stars). 4 submissions from 4 submitters: Uncertain significance (1); Likely benign (3). Last evaluated 2025-09-01.

Conditions:
CBL-related disorder. Also called: NOONAN SYNDROME-LIKE DISORDER WITHOUT JUVENILE MYELOMONOCYTIC LEUKEMIA; CBL MUTATION-ASSOCIATED SYNDROME; CBL SYNDROME. Identifiers: Orphanet 363972, MedGen C3150803, MONDO:0013308, OMIM 613563.
Cardiovascular phenotype. Identifiers: MedGen CN230736.
RASopathy. Also called: rasopathies; Noonan spectrum disorder. Identifiers: Orphanet 536391, MedGen C5555857, MONDO:0021060.

Allele frequency attached by ClinVar (database versions not stated): TOPMed below 0.00001; gnomAD 0.00001; gnomAD exomes 0.00001.
gnomAD v4.1: 8 of 1,607,334 alleles (0.0005%); highest among the groups gnomAD compares: South Asian, 0.0011%; no homozygotes.

Submissions (4):

CeGaT Center for Human Genetics Tuebingen
Classification: Likely benign. Last evaluated: 2025-09-01. Review status: criteria provided, single submitter. Criteria: CeGaT Center For Human Genetics Tuebingen Variant Classification Criteria Version 2. Collection method: clinical testing. Allele origin: germline. Affected: yes. Observed: 1 variant allele.
Comment: CBL: BP4, BS2

Ambry Genetics
Classification: Likely benign for Cardiovascular phenotype. Last evaluated: 2024-06-12. Review status: criteria provided, single submitter. Criteria: Ambry Variant Classification Scheme 2023. Collection method: clinical testing. Allele origin: germline.

Labcorp Genetics (formerly Invitae), Labcorp
Classification: Likely benign for RASopathy. Last evaluated: 2023-09-10. Review status: criteria provided, single submitter. Criteria: Invitae Variant Classification Sherloc (09022015). Collection method: clinical testing. Allele origin: germline.

Clinical Genomics Laboratory, Stanford Medicine
Classification: Uncertain significance for CBL-related disorder. Last evaluated: 2022-08-08. Review status: criteria provided, single submitter. Criteria: ACMG Guidelines, 2015. Collection method: clinical testing. Allele origin: germline. Observed: 1 variant allele, 1 heterozygote.
Comment: The p.Ala678= variant in the CBL gene has not been previously reported in association with disease. This variant was absent from large population databases, including the Genome Aggregation Database. This variant is present in ClinVar (Variation ID: 1549482). The p.Ala678= variant is a synonymous variant which is not expected to alter the CBL protein. Computational splicing tools do not agree on the predicted impact to splicing; however, the accuracy of in silico algorithms is limited. These data were assessed using the ACMG/AMP variant interpretation guidelines. In summary, the significance of the p.Ala678= variant is uncertain. Additional information is needed to resolve the significance of this variant. [ACMG evidence codes used: PM2]

NM_005188.4(CBL):c.2034C>T (p.Ala678=)

Gene: CBL (Cbl proto-oncogene; plus strand). Cytogenetic location: 11q23.3.
Variant type: single nucleotide variant.
Coding change: c.2034C>T on transcript NM_005188.4 (MANE Select); coding-DNA position 2034, C replaced by T.
Protein change: p.Ala678=; no amino-acid change (alanine 678 retained).
Molecular consequence: synonymous variant.
Genome position (GRCh38, 1-based): chr11:119,287,944, C>T. VCF-style: chr11-119287944-C-T. GRCh37 (hg19) VCF-style: chr11-119158654-C-T.
Other names: c.2034C>T (NM_005188.2).
Identifiers: ClinVar variation 1549482 (VCV001549482.17), dbSNP rs1949996840, ClinGen allele CA477125884.